The following is an entry in ClinVar:

NM_015450.3(POT1):c.1880C>T (p.Thr627Ile)

Gene: POT1 (protection of telomeres 1; minus strand). Cytogenetic location: 7q31.33.
Variant type: single nucleotide variant.
Coding change: c.1880C>T on transcript NM_015450.3 (MANE Select); coding-DNA position 1880, C replaced by T.
Protein change: p.Thr627Ile; replaces threonine 627 with isoleucine.
Molecular consequence: missense variant. On other transcripts: non-coding transcript variant (3).
Genome position (GRCh38, 1-based): chr7:124,823,987, G>A on the plus strand (C>T on the coding strand, the complement: POT1 is on the minus strand). VCF-style: chr7-124823987-G-A. GRCh37 (hg19) VCF-style: chr7-124464041-G-A.
Other names: c.1487C>T, p.Thr496Ile (NM_001042594.2); short protein forms T496I, T627I.
Identifiers: ClinVar variation 1717830 (VCV001717830.6), dbSNP rs1584745502, ClinGen allele CA369061095.

ClinVar aggregate classification (germline): Uncertain significance (1 of 4 stars; one submission).

Conditions:
Tumor predisposition syndrome 3 (TPDS3). Also called: Melanoma, cutaneous malignant, susceptibility to, 10; Glioma susceptibility 9; LONG TELOMERE SYNDROME, POT1-RELATED; POT1 Tumor Predisposition. Identifiers: Orphanet 618, MedGen C4014476, MONDO:0014368, OMIM 615848.

Submission:

Labcorp Genetics (formerly Invitae), Labcorp
Classification: Uncertain significance for Tumor predisposition syndrome 3. Last evaluated: 2022-08-23. Review status: criteria provided, single submitter. Criteria: Invitae Variant Classification Sherloc (09022015). Collection method: clinical testing. Allele origin: germline.
Comment: This sequence change replaces threonine, which is neutral and polar, with isoleucine, which is neutral and non-polar, at codon 627 of the POT1 protein (p.Thr627Ile). This variant is not present in population databases (gnomAD no frequency). This variant has not been reported in the literature in individuals affected with POT1-related conditions. Algorithms developed to predict the effect of missense changes on protein structure and function are either unavailable or do not agree on the potential impact of this missense change (SIFT: "Deleterious"; PolyPhen-2: "Probably Damaging"; Align-GVGD: "Class C0"). In summary, the available evidence is currently insufficient to determine the role of this variant in disease. Therefore, it has been classified as a Variant of Uncertain Significance.